The following is an entry in ClinVar:

NM_006618.5(KDM5B):c.3539T>C (p.Leu1180Pro)

Gene: KDM5B (lysine demethylase 5B; minus strand). Cytogenetic location: 1q32.1.
Variant type: single nucleotide variant.
Coding change: c.3539T>C on transcript NM_006618.5 (MANE Select); coding-DNA position 3539, T replaced by C.
Protein change: p.Leu1180Pro; replaces leucine 1180 with proline.
Molecular consequence: missense variant.
Genome position (GRCh38, 1-based): chr1:202,733,771, A>G on the plus strand (T>C on the coding strand, the complement: KDM5B is on the minus strand). VCF-style: chr1-202733771-A-G. GRCh37 (hg19) VCF-style: chr1-202702899-A-G.
Other names: c.3647T>C, p.Leu1216Pro (NM_001314042.2); c.3404T>C, p.Leu1135Pro (NM_001347591.2); c.3524T>C, p.Leu1175Pro (NM_001399817.1); short protein forms L1135P, L1216P, L1175P, L1180P.
Identifiers: ClinVar variation 4055883 (VCV004055883.1).
Genomic context (GRCh38, chr1:202,733,771, plus strand): 5'-TGGAAAGCATCCCTGCAGAGTTCACATTGAATCATAGGGGCAGCTGGGGCCTTCTGACAT[A>G]GGCAGATTTTTATATCCACATCTTGGAGAGGCGACAGCAATTTCCCTTCATTGGCGAGTC-3'
Protein context (NP_006609.3, residues 1170-1190): PLQDVDIKIC[Leu1180Pro]CQKAPAAPMI

ClinVar aggregate classification (germline): Uncertain significance (1 of 4 stars; one submission).

gnomAD v4.1: 1 of 1,614,164 alleles (0.000062%); highest among the groups gnomAD compares: Non-Finnish European, 0.000085%; no homozygotes.

Submission:

GeneDx
Classification: Uncertain significance. Last evaluated: 2024-12-27. Review status: criteria provided, single submitter. Criteria: GeneDx Variant Classification Process June 2021. Collection method: clinical testing. Allele origin: germline. Affected: yes.
Comment: Not observed at significant frequency in large population cohorts (gnomAD); In silico analysis supports that this missense variant has a deleterious effect on protein structure/function; Has not been previously published as pathogenic or benign to our knowledge